The following is an entry in ClinVar:

NM_001375524.1(TRRAP):c.6001T>C (p.Phe2001Leu)

Gene: TRRAP (transformation/transcription domain associated protein; plus strand). Cytogenetic location: 7q22.1.
Variant type: single nucleotide variant.
Coding change: c.6001T>C on transcript NM_001375524.1 (MANE Select); coding-DNA position 6001, T replaced by C.
Protein change: p.Phe2001Leu; replaces phenylalanine 2001 with leucine.
Molecular consequence: missense variant.
Genome position (GRCh38, 1-based): chr7:98,956,209, T>C. VCF-style: chr7-98956209-T-C. GRCh37 (hg19) VCF-style: chr7-98553832-T-C.
Other names: c.5980T>C, p.Phe1994Leu (NM_001244580.2); c.5926T>C, p.Phe1976Leu (NM_003496.4); short protein forms F1976L, F1994L, F2001L.
Identifiers: ClinVar variation 1700454 (VCV001700454.2), dbSNP rs2116639620, ClinGen allele CA368325513.

ClinVar aggregate classification (germline): Uncertain significance (1 of 4 stars; one submission).

Submission:

GeneDx
Classification: Uncertain significance. Last evaluated: 2022-02-08. Review status: criteria provided, single submitter. Criteria: GeneDx Variant Classification Process June 2021. Collection method: clinical testing. Allele origin: germline. Affected: yes.
Comment: Not observed at significant frequency in large population cohorts (gnomAD); In silico analysis supports that this missense variant has a deleterious effect on protein structure/function; Has not been previously published as pathogenic or benign to our knowledge